The following is an entry in ClinVar:

ClinVar aggregate classification (germline): Likely benign. Review status: criteria provided, single submitter (1 of 4 stars). 2 submissions from 2 submitters: Likely benign (1). 1 of the submissions does not count toward it. Last evaluated 2024-09-17.

Conditions:
IRAK1-related disorder. Also called: IRAK1-related condition.

Allele frequency attached by ClinVar (database versions not stated): TOPMed 0.00046; ESP Exome Variant Server 0.00047; gnomAD exomes 0.00059; gnomAD 0.00068; ExAC 0.00098.
gnomAD v4.1: 727 of 1,211,002 alleles (0.06%); highest among the groups gnomAD compares: Non-Finnish European, 0.061%; no homozygotes.

Submissions (2):

Blueprint Genetics
Classification: Likely benign. Last evaluated: 2024-09-17. Review status: criteria provided, single submitter. Criteria: ACMG Guidelines, 2015. Collection method: clinical testing. Allele origin: germline.

PreventionGenetics, part of Exact Sciences
Classification: Likely benign for IRAK1-related condition. Last evaluated: 2021-06-06. Review status: no assertion criteria provided. Collection method: clinical testing. Allele origin: germline. Not counted in ClinVar's aggregate classification.
Comment: This variant is classified as likely benign based on ACMG/AMP sequence variant interpretation guidelines (Richards et al. 2015 PMID: 25741868, with internal and published modifications).

NM_001569.4(IRAK1):c.1096C>T (p.Arg366Cys)

Gene: IRAK1 (interleukin 1 receptor associated kinase 1; minus strand). Cytogenetic location: Xq28.
Variant type: single nucleotide variant.
Coding change: c.1096C>T on transcript NM_001569.4 (MANE Select); coding-DNA position 1096, C replaced by T.
Protein change: p.Arg366Cys; replaces arginine 366 with cysteine.
Molecular consequence: missense variant.
Genome position (GRCh38, 1-based): chrX:154,016,577, G>A on the plus strand (C>T on the coding strand, the complement: IRAK1 is on the minus strand). VCF-style: chrX-154016577-G-A. GRCh37 (hg19) VCF-style: chrX-153282028-G-A.
Other names: c.1096C>T, p.Arg366Cys (NM_001025242.2, NM_001025243.2); c.1174C>T, p.Arg392Cys (NM_001410701.1); short protein forms R366C, R392C.
Identifiers: ClinVar variation 3035914 (VCV003035914.3), dbSNP rs143993525, ClinGen allele CA10558190.